The following is an entry in ClinVar:

ClinVar aggregate classification (germline): Benign/Likely benign. Review status: criteria provided, multiple submitters, no conflicts (2 of 4 stars). 4 submissions from 4 submitters: Benign (2); Likely benign (2). Last evaluated 2026-05-01.

Allele frequency attached by ClinVar (database versions not stated): gnomAD 0.00027 and 0.00045; gnomAD exomes 0.00028 and 0.00102; ExAC 0.00132; 1000 Genomes Project 30x 0.00141; 1000 Genomes Project 0.00180.
gnomAD v4.1: 469 of 1,548,592 alleles (0.03%); highest among the groups gnomAD compares: East Asian, 0.61%; 2 homozygotes.

Submissions (4):

CeGaT Center for Human Genetics Tuebingen
Classification: Likely benign. Last evaluated: 2026-05-01. Review status: criteria provided, single submitter. Criteria: CeGaT Center For Human Genetics Tuebingen Variant Classification Criteria Version 2. Collection method: clinical testing. Allele origin: germline. Affected: yes. Observed: 1 variant allele.
Comment: PTPRQ: BP4, BP7

Blueprint Genetics
Classification: Likely benign. Last evaluated: 2024-11-22. Review status: criteria provided, single submitter. Criteria: ACMG Guidelines, 2015. Collection method: clinical testing. Allele origin: germline.

GeneDx
Classification: Benign. Last evaluated: 2020-02-19. Review status: criteria provided, single submitter. Criteria: GeneDx Variant Classification Process June 2021. Collection method: clinical testing. Allele origin: germline. Affected: yes.

Breakthrough Genomics
Classification: Benign. Review status: criteria provided, single submitter. Criteria: ACMG Guidelines, 2015. Collection method: not provided. Allele origin: germline. Inheritance: Autosomal recessive inheritance. Affected: yes.

NM_001145026.2(PTPRQ):c.1968C>A (p.Ile656=)

Gene: PTPRQ (protein tyrosine phosphatase receptor type Q; plus strand). Cytogenetic location: 12q21.31.
Variant type: single nucleotide variant.
Coding change: c.1968C>A on transcript NM_001145026.2 (MANE Select); coding-DNA position 1968, C replaced by A.
Protein change: p.Ile656=; no amino-acid change (isoleucine 656 retained).
Molecular consequence: synonymous variant.
Genome position (GRCh38, 1-based): chr12:80,496,084, C>A. VCF-style: chr12-80496084-C-A. GRCh37 (hg19) VCF-style: chr12-80889863-C-A.
Identifiers: ClinVar variation 1264283 (VCV001264283.6), dbSNP rs370595432, ClinGen allele CA6702489.